The following is an entry in ClinVar:

NM_000352.6(ABCC8):c.4116G>A (p.Gln1372=)

Gene: ABCC8 (ATP binding cassette subfamily C member 8; minus strand). Cytogenetic location: 11p15.1.
Variant type: single nucleotide variant.
Coding change: c.4116G>A on transcript NM_000352.6 (MANE Select); coding-DNA position 4116, G replaced by A.
Protein change: p.Gln1372=; no amino-acid change (glutamine 1372 retained).
Molecular consequence: synonymous variant. On other transcripts: non-coding transcript variant (1).
Genome position (GRCh38, 1-based): chr11:17,396,919, C>T on the plus strand (G>A on the coding strand, the complement: ABCC8 is on the minus strand). VCF-style: chr11-17396919-C-T. GRCh37 (hg19) VCF-style: chr11-17418466-C-T.
Other names: c.4119G>A, p.Gln1373= (NM_001287174.3); c.4182G>A, p.Gln1394= (NM_001351295.2); c.4116G>A, p.Gln1372= (NM_001351296.2); c.4113G>A, p.Gln1371= (NM_001351297.2).
Identifiers: ClinVar variation 793518 (VCV000793518.22), dbSNP rs562715858, ClinGen allele CA5902581.
Genomic context (GRCh38, chr11:17,396,919, plus strand): 5'-TGCCCCATCCCCTGCTCACGCCTGTCCTGCAGCATTGGGTTGGGCCCGTGCTCTGACCTT[C>T]TGTCCAGGGGCGATGAGGGCATTGACGTGCTTCAGCACCGGCTTCAGGGAGCTGTCGTAG-3'
Protein context (NP_000343.2, residues 1362-1382): KHVNALIAPG[Gln1372=]KIGICGRTGS

ClinVar aggregate classification (germline): Conflicting classifications of pathogenicity. Review status: criteria provided, conflicting classifications (1 of 4 stars). 10 submissions from 7 submitters: Uncertain significance (4); Benign (3); Likely benign (1). 2 of the submissions do not count toward it. Last evaluated 2024-08-31.

Conditions:
Hereditary hyperinsulinism.
Inborn genetic diseases. Identifiers: MedGen C0950123, MeSH D030342.
Diabetes mellitus, transient neonatal, 2 (TNDM2). Identifiers: Orphanet 99886, MedGen C1835887, MONDO:0012480, OMIM 610374. Disease mechanism: loss of function.
ABCC8-related disorder.
Transitory neonatal diabetes mellitus. Also called: Transient neonatal diabetes mellitus. Identifiers: MedGen C0342273, MONDO:0020525, HP:0008255.
Hyperinsulinemic hypoglycemia, familial, 1 (HHF1). Also called: Persistent Hyperinsulinemia Hypoglycemia of Infancy; Persistent hyperinsulinemic hypoglycemia of infancy; NESIDIOBLASTOSIS OF PANCREAS; HYPERINSULINISM, FAMILIAL, WITH PANCREATIC NESIDIOBLASTOSIS; HYPOGLYCEMIA, HYPERINSULINEMIC, OF INFANCY. Identifiers: Orphanet 276575, Orphanet 276598, MedGen C2931832, MONDO:0009734, OMIM 256450.
Permanent neonatal diabetes mellitus (PNDM). Identifiers: Orphanet 99885, MedGen C1833104, MONDO:0100164, MONDO:0011643. Disease mechanism: gain of function.
Maturity-onset diabetes of the young (MODY). Also called: Maturity onset diabetes mellitus in young. Identifiers: Orphanet 552, MedGen C0342276, MONDO:0018911, HP:0004904.

Allele frequency attached by ClinVar (database versions not stated): gnomAD exomes 0.00003 and 0.00017; TOPMed 0.00007; gnomAD 0.00008 and 0.00011; ExAC 0.00020; 1000 Genomes Project 30x 0.00062; 1000 Genomes Project 0.00080.
gnomAD v4.1: 64 of 1,614,068 alleles (0.004%); highest among the groups gnomAD compares: East Asian, 0.14%; no homozygotes.

Submissions (10):

Ambry Genetics
Classification: Likely benign for Inborn genetic diseases. Last evaluated: 2024-08-31. Review status: criteria provided, single submitter. Criteria: Ambry Variant Classification Scheme 2023. Collection method: clinical testing. Allele origin: germline.

Labcorp Genetics (formerly Invitae), Labcorp
Classification: Benign. Last evaluated: 2024-06-23. Review status: criteria provided, single submitter. Criteria: Invitae Variant Classification Sherloc (09022015). Collection method: clinical testing. Allele origin: germline.

Illumina Laboratory Services, Illumina
Classification: Benign for Diabetes mellitus, transient neonatal, 2. Last evaluated: 2018-01-13. Review status: criteria provided, single submitter. Criteria: ICSL Variant Classification Criteria 13 December 2019. Collection method: clinical testing. Allele origin: germline.
Comment: This variant was observed in the ICSL laboratory as part of a predisposition screen in an ostensibly healthy population. It had not been previously curated by ICSL or reported in the Human Gene Mutation Database (HGMD: prior to June 1st, 2018), and was therefore a candidate for classification through an automated scoring system. Utilizing variant allele frequency, disease prevalence and penetrance estimates, and inheritance mode, an automated score was calculated to assess if this variant is too frequent to cause the disease. Based on the score and internal cut-off values, a variant classified as benign is not then subjected to further curation. The score for this variant resulted in a classification of benign for this disease.

Illumina Laboratory Services, Illumina
Classification: Uncertain significance for Permanent neonatal diabetes mellitus 1. Last evaluated: 2018-01-13. Review status: criteria provided, single submitter. Criteria: ICSL Variant Classification Criteria 13 December 2019. Collection method: clinical testing. Allele origin: germline.

Illumina Laboratory Services, Illumina
Classification: Uncertain significance for Hyperinsulinemic hypoglycemia, familial, 1. Last evaluated: 2018-01-13. Review status: criteria provided, single submitter. Criteria: ICSL Variant Classification Criteria 13 December 2019. Collection method: clinical testing. Allele origin: germline.

Genetic Services Laboratory, University of Chicago
Classification: Uncertain significance. Last evaluated: 2017-08-30. Review status: criteria provided, single submitter. Criteria: ACMG Guidelines, 2015. Collection method: clinical testing. Allele origin: germline. Affected: no.

Clinical Genomics, Uppaluri K&H Personalized Medicine Clinic
Classification: Benign for Maturity-onset diabetes of the young. Review status: criteria provided, single submitter. Criteria: K & H Uppaluri Personalized Medicine Clinic Variant Classification & Assertion Criteria_Updated V.1. Collection method: research. Allele origin: unknown. Inheritance: Autosomal dominant inheritance.
Comment: Mutations in ABCC8 gene are associated with both neonatal diabetes mellitus as well as MODY. Patients with this mutation may have a better response to sulfonylureas. However, no sufficient evidence is found to ascertain the role of this particular variant (rs562715858) in MODY yet.

Clinical Genomics, Uppaluri K&H Personalized Medicine Clinic
Classification: Uncertain significance for Transitory neonatal diabetes mellitus. Review status: criteria provided, single submitter. Criteria: K & H Uppaluri Personalized Medicine Clinic Variant Classification & Assertion Criteria_Updated V.1. Collection method: research. Allele origin: unknown.
Comment: Mutations in ABCC8 gene are associated with both neonatal diabetes mellitus as well as MODY. Patients with this mutation may have a better response to sulfonylureas. However, no sufficient evidence is found to ascertain the role of this particular variant (rs562715858) in neonatal diabetes yet.

Natera, Inc.
Classification: Likely benign for Hereditary hyperinsulinism. Last evaluated: 2020-02-28. Review status: no assertion criteria provided. Collection method: clinical testing. Allele origin: germline. Not counted in ClinVar's aggregate classification.

PreventionGenetics, part of Exact Sciences
Classification: Likely benign for ABCC8-related condition. Last evaluated: 2019-04-25. Review status: no assertion criteria provided. Collection method: clinical testing. Allele origin: germline. Not counted in ClinVar's aggregate classification.
Comment: This variant is classified as likely benign based on ACMG/AMP sequence variant interpretation guidelines (Richards et al. 2015 PMID: 25741868, with internal and published modifications).

Literature cited by the submitters: PubMed 16885549 (cited by Clinical Genomics, Uppaluri K&H Personalized Medicine Clinic); PubMed 21989597 (cited by Clinical Genomics, Uppaluri K&H Personalized Medicine Clinic); PubMed 27538677 (cited by Clinical Genomics, Uppaluri K&H Personalized Medicine Clinic); PubMed 18981553 (cited by Clinical Genomics, Uppaluri K&H Personalized Medicine Clinic); PubMed 32027066 (cited by Clinical Genomics, Uppaluri K&H Personalized Medicine Clinic); PubMed 16613899 (cited by Clinical Genomics, Uppaluri K&H Personalized Medicine Clinic); PubMed 18025408 (cited by Clinical Genomics, Uppaluri K&H Personalized Medicine Clinic); PubMed 32792356 (cited by Clinical Genomics, Uppaluri K&H Personalized Medicine Clinic).